The following is an entry in ClinVar:

ClinVar aggregate classification (germline): Likely benign. Review status: criteria provided, multiple submitters, no conflicts (2 of 4 stars). 2 submissions from 2 submitters: Likely benign (2). Last evaluated 2024-07-31.

Conditions:
Juvenile polyposis syndrome (JPS). Identifiers: Orphanet 2929, MedGen C0345893, MONDO:0017380, OMIM 174900.
Hereditary cancer-predisposing syndrome. Also called: Hereditary Cancer Syndrome; Hereditary neoplastic syndrome; Neoplastic Syndromes, Hereditary; Tumor predisposition. Identifiers: Orphanet 140162, MedGen C0027672, MeSH D009386, MONDO:0015356.

Submissions (2):

Myriad Genetics, Inc.
Classification: Likely benign for Juvenile polyposis syndrome. Last evaluated: 2024-07-31. Review status: criteria provided, single submitter. Criteria: Myriad Autosomal Dominant, Autosomal Recessive and X-Linked Classification Criteria (2023). Collection method: clinical testing. Allele origin: unknown.
Comment: This variant is considered likely benign. This variant is intronic and is not expected to impact mRNA splicing.

Color Diagnostics, LLC DBA Color Health
Classification: Likely benign for Hereditary cancer-predisposing syndrome. Last evaluated: 2019-09-09. Review status: criteria provided, single submitter. Criteria: ACMG Guidelines, 2015. Collection method: clinical testing. Allele origin: germline.

NM_004329.3(BMPR1A):c.231-16T>C

Gene: BMPR1A (bone morphogenetic protein receptor type 1A; plus strand). Cytogenetic location: 10q23.2.
Variant type: single nucleotide variant.
Coding change: c.231-16T>C on transcript NM_004329.3 (MANE Select); 16 bases into the intron before coding-DNA position 231, T replaced by C.
Molecular consequence: intron variant.
Genome position (GRCh38, 1-based): chr10:86,892,111, T>C. VCF-style: chr10-86892111-T-C. GRCh37 (hg19) VCF-style: chr10-88651868-T-C.
Identifiers: ClinVar variation 922856 (VCV000922856.3), dbSNP rs1564715414, ClinGen allele CA1139661549.